The following is an entry in ClinVar:

ClinVar aggregate classification (germline): Benign/Likely benign. Review status: criteria provided, multiple submitters, no conflicts (2 of 4 stars). 5 submissions from 5 submitters: Benign (1); Likely benign (4). Last evaluated 2025-12-17.

Conditions:
AXIN2-related disorder.
Hereditary cancer-predisposing syndrome. Also called: Hereditary Cancer Syndrome; Tumor predisposition; Hereditary neoplastic syndrome; Neoplastic Syndromes, Hereditary. Identifiers: Orphanet 140162, MedGen C0027672, MeSH D009386, MONDO:0015356.
Oligodontia-cancer predisposition syndrome. Also called: TOOTH AGENESIS-COLORECTAL CANCER SYNDROME. Identifiers: Orphanet 300576, MedGen C1837750, MONDO:0012075, OMIM 608615. Disease mechanism: loss of function.

Allele frequency attached by ClinVar (database versions not stated): gnomAD 0.00001; gnomAD exomes 0.00001; TOPMed 0.00001.
gnomAD v4.1: 23 of 1,614,134 alleles (0.0014%); highest among the groups gnomAD compares: Non-Finnish European, 0.0017%; no homozygotes.

Submissions (5):

Labcorp Genetics (formerly Invitae), Labcorp
Classification: Likely benign for Oligodontia-cancer predisposition syndrome. Last evaluated: 2025-12-17. Review status: criteria provided, single submitter. Criteria: Invitae Variant Classification Sherloc (09022015). Collection method: clinical testing. Allele origin: germline.

PreventionGenetics, part of Exact Sciences
Classification: Likely benign for AXIN2-related condition. Last evaluated: 2025-03-18. Review status: criteria provided, single submitter. Criteria: ACMG Guidelines, 2015. Collection method: clinical testing. Allele origin: germline.
Comment: This variant is classified as likely benign based on ACMG/AMP sequence variant interpretation guidelines (Richards et al. 2015 PMID: 25741868, with internal and published modifications).

Myriad Genetics, Inc.
Classification: Benign for Oligodontia-cancer predisposition syndrome. Last evaluated: 2024-07-01. Review status: criteria provided, single submitter. Criteria: Myriad Autosomal Dominant, Autosomal Recessive and X-Linked Classification Criteria (2023). Collection method: clinical testing. Allele origin: unknown.
Comment: This variant is considered benign. This variant is a silent/synonymous amino acid change and it is not expected to impact splicing.

GeneDx
Classification: Likely benign. Last evaluated: 2021-11-15. Review status: criteria provided, single submitter. Criteria: GeneDx Variant Classification Process June 2021. Collection method: clinical testing. Allele origin: germline. Affected: yes.

Ambry Genetics
Classification: Likely benign for Hereditary cancer-predisposing syndrome. Last evaluated: 2019-04-03. Review status: criteria provided, single submitter. Criteria: Ambry Variant Classification Scheme 2023. Collection method: clinical testing. Allele origin: germline.

NM_004655.4(AXIN2):c.1188G>A (p.Gln396=)

Gene: AXIN2 (axin 2; minus strand). Cytogenetic location: 17q24.1.
Variant type: single nucleotide variant.
Coding change: c.1188G>A on transcript NM_004655.4 (MANE Select); coding-DNA position 1188, G replaced by A.
Protein change: p.Gln396=; no amino-acid change (glutamine 396 retained).
Molecular consequence: synonymous variant.
Genome position (GRCh38, 1-based): chr17:65,538,215, C>T on the plus strand (G>A on the coding strand, the complement: AXIN2 is on the minus strand). VCF-style: chr17-65538215-C-T. GRCh37 (hg19) VCF-style: chr17-63534333-C-T.
Other names: c.1188G>A (LRG_296t1); c.1188G>A, p.Gln396= (NM_001363813.1).
Identifiers: ClinVar variation 415225 (VCV000415225.21), dbSNP rs1060504488, ClinGen allele CA16615602.